The following is an entry in ClinVar:

NM_002691.4(POLD1):c.1070_1084del (p.Leu357_Ala361del)

Gene: POLD1 (DNA polymerase delta 1, catalytic subunit; plus strand). Cytogenetic location: 19q13.33.
Variant type: Deletion.
Coding change: c.1070_1084del on transcript NM_002691.4 (MANE Select); coding-DNA positions 1070 to 1084, 15 bases deleted (TGCGGCCCTGTGCCC).
Protein change: p.Leu357_Ala361del.
Molecular consequence: inframe deletion. On other transcripts: non-coding transcript variant (1).
Genome position (GRCh38, 1-based): chr19:50,403,152-50,403,166, TGCGGCCCTGTGCCC deleted; deleting any 15 consecutive bases within chr19:50,403,149-50,403,166 gives the same sequence; the c. name uses the placement nearest the transcript's 3' end. VCF-style (leftmost placement, unchanged base first): chr19-50403148-ACCCTGCGGCCCTGTG-A. GRCh37 (hg19) VCF-style: chr19-50906405-ACCCTGCGGCCCTGTG-A.
Other names: c.1070_1084del, p.Leu357_Ala361del (NM_001256849.1, NM_001308632.1).
Identifiers: ClinVar variation 1004217 (VCV001004217.8), dbSNP rs2038727607, ClinGen allele CA2340883267.
Genomic context (GRCh38, chr19:50,403,148, plus strand): 5'-CAGATCTGCTCGCTGGGCCTGCGCTGGGGGGAGCCGGAGCCCTTCCTACGCCTGGCGCTC[ACCCTGCGGCCCTGTG>A]CCCCCATCCTGGGTGCCAAGGTGCAGAGCTACGAGAAGGAGGAGGACCTGCTGCAGGTAG-3'

ClinVar aggregate classification (germline): Uncertain significance. Review status: criteria provided, multiple submitters, no conflicts (2 of 4 stars). 2 submissions from 2 submitters: Uncertain significance (2). Last evaluated 2021-08-28.

Conditions:
Hereditary cancer-predisposing syndrome. Also called: Tumor predisposition; Hereditary Cancer Syndrome; Hereditary neoplastic syndrome; Neoplastic Syndromes, Hereditary. Identifiers: Orphanet 140162, MedGen C0027672, MeSH D009386, MONDO:0015356.
POLD1-related polyposis and colorectal cancer syndrome (CRCS10). Also called: Colorectal cancer 10; COLORECTAL CANCER, SUSCEPTIBILITY TO, ON CHROMOSOME 19q; Colorectal cancer, susceptibility to, 10. Identifiers: Orphanet 220460, MedGen C2675481, MONDO:0012953, OMIM 612591.

Submissions (2):

Labcorp Genetics (formerly Invitae), Labcorp
Classification: Uncertain significance for POLD1-related polyposis and colorectal cancer syndrome. Last evaluated: 2021-08-28. Review status: criteria provided, single submitter. Criteria: Invitae Variant Classification Sherloc (09022015). Collection method: clinical testing. Allele origin: germline.
Comment: This variant, c.1070_1084del, results in the deletion of 5 amino acid(s) of the POLD1 protein (p.Leu357_Ala361del), but otherwise preserves the integrity of the reading frame. This variant is not present in population databases (ExAC no frequency). This variant has not been reported in the literature in individuals affected with POLD1-related conditions. Experimental studies and prediction algorithms are not available or were not evaluated, and the functional significance of this variant is currently unknown. In summary, the available evidence is currently insufficient to determine the role of this variant in disease. Therefore, it has been classified as a Variant of Uncertain Significance.

Ambry Genetics
Classification: Uncertain significance for Hereditary cancer-predisposing syndrome. Last evaluated: 2020-08-13. Review status: criteria provided, single submitter. Criteria: Ambry Variant Classification Scheme 2023. Collection method: clinical testing. Allele origin: germline.
Comment: The c.1070_1084del15 variant (also known as p.L357_A361del) is located in coding exon 8 of the POLD1 gene. This variant results from a deletion of 15 nucleotides at positions 1070 to 1084, causing an in-frame deletion of 5 amino acids at codons 357 to 361. This region is well conserved in available vertebrate species. In addition, this alteration is predicted to be deleterious by in silico analysis (Choi Y et al. PLoS ONE. 2012; 7(10):e46688). Since supporting evidence is limited at this time, the clinical significance of this alteration remains unclear.